The following is an entry in ClinVar:

NM_001122630.2(CDKN1C):c.352C>G (p.Leu118Val)

Gene: CDKN1C (cyclin dependent kinase inhibitor 1C; minus strand). Cytogenetic location: 11p15.4.
Variant type: single nucleotide variant.
Coding change: c.352C>G on transcript NM_001122630.2 (MANE Select); coding-DNA position 352, C replaced by G.
Protein change: p.Leu118Val; replaces leucine 118 with valine.
Molecular consequence: missense variant. On other transcripts: intron variant (1).
Genome position (GRCh38, 1-based): chr11:2,885,105, G>C on the plus strand (C>G on the coding strand, the complement: CDKN1C is on the minus strand). VCF-style: chr11-2885105-G-C. GRCh37 (hg19) VCF-style: chr11-2906335-G-C.
Other names: c.385C>G, p.Leu129Val (NM_000076.2, NM_001362474.2); c.352C>G, p.Leu118Val (NM_001122631.2); c.255+97C>G (NM_001362475.2); short protein forms L129V, L118V.
Identifiers: ClinVar variation 1996107 (VCV001996107.4), dbSNP rs2494388540, ClinGen allele CA379146807.

ClinVar aggregate classification (germline): Uncertain significance (1 of 4 stars; one submission).

Conditions:
Beckwith-Wiedemann syndrome (BWS). Also called: Exomphalos macroglossia gigantism syndrome; EMG SYNDROME. Identifiers: Orphanet 116, MedGen C0004903, MONDO:0007534, OMIM 130650.

Submission:

Labcorp Genetics (formerly Invitae), Labcorp
Classification: Uncertain significance for Beckwith-Wiedemann syndrome. Last evaluated: 2022-05-18. Review status: criteria provided, single submitter. Criteria: Invitae Variant Classification Sherloc (09022015). Collection method: clinical testing. Allele origin: germline.
Comment: This sequence change replaces leucine, which is neutral and non-polar, with valine, which is neutral and non-polar, at codon 129 of the CDKN1C protein (p.Leu129Val). This variant is not present in population databases (gnomAD no frequency). This variant has not been reported in the literature in individuals affected with CDKN1C-related conditions. Algorithms developed to predict the effect of missense changes on protein structure and function (SIFT, PolyPhen-2, Align-GVGD) all suggest that this variant is likely to be tolerated. In summary, the available evidence is currently insufficient to determine the role of this variant in disease. Therefore, it has been classified as a Variant of Uncertain Significance.